The following is an entry in ClinVar:

NM_004184.4(WARS1):c.826+6A>G

Gene: WARS1 (tryptophanyl-tRNA synthetase 1; minus strand). Cytogenetic location: 14q32.2.
Variant type: single nucleotide variant.
Coding change: c.826+6A>G on transcript NM_004184.4 (MANE Select); 6 bases into the intron after coding-DNA position 826, A replaced by G.
Molecular consequence: intron variant.
Genome position (GRCh38, 1-based): chr14:100,346,740, T>C on the plus strand (A>G on the coding strand, the complement: WARS1 is on the minus strand). VCF-style: chr14-100346740-T-C. GRCh37 (hg19) VCF-style: chr14-100813077-T-C.
Other names: p.?; c.703+6A>G (NM_213645.2, NM_213646.2); c.826+6A>G (NM_173701.2, NM_004184.3).
Identifiers: ClinVar variation 1178170 (VCV001178170.7), dbSNP rs941923, ClinGen allele CA7345196.

ClinVar aggregate classification (germline): Benign. Review status: criteria provided, multiple submitters, no conflicts (2 of 4 stars). 5 submissions from 5 submitters: Benign (4). 1 of the submissions does not count toward it. Last evaluated 2022-03-24.

Conditions:
Neuronopathy, distal hereditary motor, type 9. Also called: NEUROPATHY, DISTAL HEREDITARY MOTOR, TYPE IX; NEURONOPATHY, DISTAL HEREDITARY MOTOR, AUTOSOMAL DOMINANT 9; NEURONOPATHY, DISTAL HEREDITARY MOTOR, TYPE IX. Identifiers: MedGen C4540265, MONDO:0060585, OMIM 617721.
WARS1-related disorder. Also called: WARS1-related condition.

Allele frequency attached by ClinVar (database versions not stated): gnomAD 0.69062 and 0.68233; ESP Exome Variant Server 0.66554; TOPMed 0.68594; gnomAD exomes 0.76196; 1000 Genomes Project 30x 0.69425; 1000 Genomes Project 0.69708; ExAC 0.75132.
gnomAD v4.1: 1,191,755 of 1,610,750 alleles (74%); highest among the groups gnomAD compares: Admixed American, 84%; 444,422 homozygotes.

Submissions (5):

Mayo Clinic Laboratories, Mayo Clinic
Classification: Benign. Last evaluated: 2022-03-24. Review status: criteria provided, single submitter. Criteria: ACMG Guidelines, 2015. Collection method: clinical testing. Allele origin: germline. Observed: 739 variant alleles.

Genome-Nilou Lab
Classification: Benign for Neuronopathy, distal hereditary motor, type 9. Last evaluated: 2021-12-05. Review status: criteria provided, single submitter. Criteria: ACMG Guidelines, 2015. Collection method: clinical testing. Allele origin: germline. Affected: no.

GeneDx
Classification: Benign. Last evaluated: 2020-01-15. Review status: criteria provided, single submitter. Criteria: GeneDx Variant Classification Process June 2021. Collection method: clinical testing. Allele origin: germline. Affected: yes.

Breakthrough Genomics
Classification: Benign. Review status: criteria provided, single submitter. Criteria: ACMG Guidelines, 2015. Collection method: not provided. Allele origin: germline. Inheritance: Autosomal dominant inheritance. Affected: yes.

PreventionGenetics, part of Exact Sciences
Classification: Benign for WARS1-related condition. Last evaluated: 2019-10-17. Review status: no assertion criteria provided. Collection method: clinical testing. Allele origin: germline. Not counted in ClinVar's aggregate classification.
Comment: This variant is classified as benign based on ACMG/AMP sequence variant interpretation guidelines (Richards et al. 2015 PMID: 25741868, with internal and published modifications).